The following is an entry in ClinVar:

ClinVar aggregate classification (germline): Likely benign. Review status: criteria provided, single submitter (1 of 4 stars). 2 submissions from 2 submitters: Likely benign (1). 1 of the submissions does not count toward it. Last evaluated 2022-09-01.

Conditions:
SERPINA3-related disorder. Also called: SERPINA3-related condition.

Allele frequency attached by ClinVar (database versions not stated): TOPMed 0.00009.
gnomAD v4.1: 462 of 1,614,188 alleles (0.029%); highest among the groups gnomAD compares: East Asian, 0.17%; 2 homozygotes.

Submissions (2):

CeGaT Center for Human Genetics Tuebingen
Classification: Likely benign. Last evaluated: 2022-09-01. Review status: criteria provided, single submitter. Criteria: CeGaT Center For Human Genetics Tuebingen Variant Classification Criteria Version 2. Collection method: clinical testing. Allele origin: germline. Affected: yes. Observed: 1 variant allele.
Comment: SERPINA3: BP4, BP7

PreventionGenetics, part of Exact Sciences
Classification: Likely benign for SERPINA3-related condition. Last evaluated: 2019-08-29. Review status: no assertion criteria provided. Collection method: clinical testing. Allele origin: germline. Not counted in ClinVar's aggregate classification.
Comment: This variant is classified as likely benign based on ACMG/AMP sequence variant interpretation guidelines (Richards et al. 2015 PMID: 25741868, with internal and published modifications).

NM_001085.5(SERPINA3):c.786C>A (p.Thr262=)

Gene: SERPINA3 (serpin family A member 3; plus strand). Cytogenetic location: 14q32.13.
Variant type: single nucleotide variant.
Coding change: c.786C>A on transcript NM_001085.5 (MANE Select); coding-DNA position 786, C replaced by A.
Protein change: p.Thr262=; no amino-acid change (threonine 262 retained).
Molecular consequence: synonymous variant.
Genome position (GRCh38, 1-based): chr14:94,619,337, C>A. VCF-style: chr14-94619337-C-A. GRCh37 (hg19) VCF-style: chr14-95085674-C-A.
Other names: c.786C>A (NM_001085.4); c.786C>A, p.Thr262= (NM_001384672.1, NM_001384673.1, NM_001384674.1).
Identifiers: ClinVar variation 2644484 (VCV002644484.25), dbSNP rs573366685, ClinGen allele CA7329886.